The following is an entry in ClinVar:

ClinVar aggregate classification (germline): Pathogenic (1 of 4 stars; one submission).

Conditions:
Chromosome 3q13.31 deletion syndrome. Identifiers: Orphanet 1621, MedGen C3809490, MONDO:0014185, OMIM 615433.

Submission:

Broad Center for Mendelian Genomics, Broad Institute of MIT and Harvard
Classification: Pathogenic for Chromosome 3q13.31 deletion syndrome. Last evaluated: 2023-08-24. Review status: criteria provided, single submitter. Criteria: ACMG/ClinGen CNV Guidelines, 2019. Collection method: research. Allele origin: de novo. Inheritance: Autosomal dominant inheritance. Affected: yes.
Comment: These breakpoints have been estimated by exome sequencing only and therefore may not reflect the true breakpoints. The patient phenotype is nonspecific, but is consistent with cases described in the literature and/or published databases with overlapping variants. More than two HI predictors suggest that at least 5 genes (KARLN, ARHGAP31, NFKBIZ, ZBTB20, ADCY5) included in this deletion are haploinsufficient. In summary, the 3p25.2-q11.1 deletion meets criteria to be classified as pathogenic. The ACMG/ClinGen evidence codes and points used in this curation are as follows: 1: 0 points, 2: 0.15 points, 3: 0.90 points, 4-5: 0.15 points; Total: 1.20 points; Riggs 2020 (PMID: 31690835).

GRCh38/hg38 3q11.1-21.2(chr3:93979547-124774010)x1

Genes: ABHD10 (abhydrolase domain containing 10, depalmitoylase; plus strand), ABI3BP (ABI family member 3 binding protein; minus strand), ADCY5 (adenylate cyclase 5; minus strand), ADGRG7 (adhesion G protein-coupled receptor G7; plus strand), ADPRH (ADP-ribosylarginine hydrolase; plus strand) and 681 more. Cytogenetic location: 3q11.1-21.2.
Variant type: copy number loss.
Change: copy number 1 (one copy instead of two) of chr3:93,979,547-124,774,010 (30.79 Mb, GRCh38 coordinates, 1-based), cytogenetic band 3q11.1-21.2.
Identifiers: ClinVar variation 2579175 (VCV002579175.1).